The following is an entry in ClinVar:

ClinVar aggregate classification (germline): Uncertain significance. Review status: criteria provided, multiple submitters, no conflicts (2 of 4 stars). 4 submissions from 4 submitters: Uncertain significance (4). Last evaluated 2024-10-31.

Conditions:
Hereditary cancer-predisposing syndrome. Also called: Hereditary neoplastic syndrome; Tumor predisposition; Neoplastic Syndromes, Hereditary; Hereditary Cancer Syndrome. Identifiers: Orphanet 140162, MedGen C0027672, MeSH D009386, MONDO:0015356.
BAP1-related tumor predisposition syndrome (TPDS1). Also called: Tumor susceptibility linked to germline BAP1 mutations; TUMOR PREDISPOSITION SYNDROME 1; COMMON Syndrome; BAP1 tumor predisposition syndrome. Identifiers: Orphanet 289539, MedGen C3280492, MONDO:0013692, OMIM 614327.

Submissions (4):

Labcorp Genetics (formerly Invitae), Labcorp
Classification: Uncertain significance for BAP1-related tumor predisposition syndrome. Last evaluated: 2024-10-31. Review status: criteria provided, single submitter. Criteria: Invitae Variant Classification Sherloc (09022015). Collection method: clinical testing. Allele origin: germline.
Comment: This sequence change replaces arginine, which is basic and polar, with cysteine, which is neutral and slightly polar, at codon 722 of the BAP1 protein (p.Arg722Cys). This variant is not present in population databases (gnomAD no frequency). This variant has not been reported in the literature in individuals affected with BAP1-related conditions. ClinVar contains an entry for this variant (Variation ID: 569962). Invitae Evidence Modeling of protein sequence and biophysical properties (such as structural, functional, and spatial information, amino acid conservation, physicochemical variation, residue mobility, and thermodynamic stability) indicates that this missense variant is not expected to disrupt BAP1 protein function with a negative predictive value of 80%. In summary, the available evidence is currently insufficient to determine the role of this variant in disease. Therefore, it has been classified as a Variant of Uncertain Significance.

Baylor Genetics
Classification: Uncertain significance for BAP1-related tumor predisposition syndrome. Last evaluated: 2024-02-22. Review status: criteria provided, single submitter. Criteria: ACMG Guidelines, 2015. Collection method: clinical testing. Allele origin: unknown.

Color Diagnostics, LLC DBA Color Health
Classification: Uncertain significance for Hereditary cancer-predisposing syndrome. Last evaluated: 2024-01-29. Review status: criteria provided, single submitter. Criteria: ACMG Guidelines, 2015. Collection method: clinical testing. Allele origin: germline.
Comment: This missense variant replaces arginine with cysteine at codon 722 of the BAP1 protein. Computational prediction suggests that this variant may not impact protein structure and function. To our knowledge, functional studies have not been reported for this variant. This variant has not been reported in individuals affected with BAP1-related disorders in the literature. This variant has not been identified in the general population by the Genome Aggregation Database (gnomAD). The available evidence is insufficient to determine the role of this variant in disease conclusively. Therefore, this variant is classified as a Variant of Uncertain Significance.

Ambry Genetics
Classification: Uncertain significance for Hereditary cancer-predisposing syndrome. Last evaluated: 2023-05-01. Review status: criteria provided, single submitter. Criteria: Ambry Variant Classification Scheme 2023. Collection method: clinical testing. Allele origin: germline.
Comment: The p.R722C variant (also known as c.2164C>T), located in coding exon 17 of the BAP1 gene, results from a C to T substitution at nucleotide position 2164. The arginine at codon 722 is replaced by cysteine, an amino acid with highly dissimilar properties. This amino acid position is highly conserved in available vertebrate species. In addition, the in silico prediction for this alteration is inconclusive. Since supporting evidence is limited at this time, the clinical significance of this alteration remains unclear.

NM_004656.4(BAP1):c.2164C>T (p.Arg722Cys)

Gene: BAP1 (BRCA1 associated deubiquitinase 1; minus strand). Cytogenetic location: 3p21.1.
Variant type: single nucleotide variant.
Coding change: c.2164C>T on transcript NM_004656.4 (MANE Select); coding-DNA position 2164, C replaced by T.
Protein change: p.Arg722Cys; replaces arginine 722 with cysteine.
Molecular consequence: missense variant.
Genome position (GRCh38, 1-based): chr3:52,402,314, G>A on the plus strand (C>T on the coding strand, the complement: BAP1 is on the minus strand). VCF-style: chr3-52402314-G-A. GRCh37 (hg19) VCF-style: chr3-52436330-G-A.
Other names: short protein forms R722C.
Identifiers: ClinVar variation 569962 (VCV000569962.12), dbSNP rs771007826, ClinGen allele CA353094000.